The following is an entry in ClinVar:

ClinVar aggregate classification (germline): Uncertain significance (1 of 4 stars; one submission).

Conditions:
Hypertrophic cardiomyopathy 26. Also called: Cardiomyopathy, familial hypertrophic, 26. Identifiers: Orphanet 75249, MedGen C4310749, MONDO:0014883, OMIM 617047.
Distal myopathy with posterior leg and anterior hand involvement. Also called: WILLIAMS DISTAL MYOPATHY. Identifiers: Orphanet 63273, MedGen C3279722, MONDO:0013550, OMIM 614065.
Myofibrillar myopathy 5. Also called: FILAMINOPATHY, AUTOSOMAL DOMINANT; Filaminopathy (type). Identifiers: Orphanet 171445, MedGen C1836050, MONDO:0012289, OMIM 609524.

Allele frequency attached by ClinVar (database versions not stated): TOPMed below 0.00001.

Submission:

Labcorp Genetics (formerly Invitae), Labcorp
Classification: Uncertain significance for Distal myopathy with posterior leg and anterior hand involvement; Myofibrillar myopathy 5; Hypertrophic cardiomyopathy 26. Last evaluated: 2020-09-24. Review status: criteria provided, single submitter. Criteria: Invitae Variant Classification Sherloc (09022015). Collection method: clinical testing. Allele origin: germline.
Comment: In summary, the available evidence is currently insufficient to determine the role of this variant in disease. Therefore, it has been classified as a Variant of Uncertain Significance. This sequence change replaces proline with threonine at codon 1805 of the FLNC protein (p.Pro1805Thr). The proline residue is highly conserved and there is a small physicochemical difference between proline and threonine. This variant is not present in population databases (ExAC no frequency). This variant has not been reported in the literature in individuals with FLNC-related conditions. Algorithms developed to predict the effect of missense changes on protein structure and function are either unavailable or do not agree on the potential impact of this missense change (SIFT: "Deleterious"; PolyPhen-2: "Probably Damaging"; Align-GVGD: "Class C0").

NM_001458.5(FLNC):c.5413C>A (p.Pro1805Thr)

Genes: FLNC (filamin C; plus strand), FLNC-AS1 (FLNC antisense RNA 1; minus strand). Cytogenetic location: 7q32.1.
Variant type: single nucleotide variant.
Coding change: c.5413C>A on transcript NM_001458.5 (MANE Select); coding-DNA position 5413, C replaced by A.
Protein change: p.Pro1805Thr; replaces proline 1805 with threonine.
Molecular consequence: missense variant.
Genome position (GRCh38, 1-based): chr7:128,850,817, C>A. VCF-style: chr7-128850817-C-A. GRCh37 (hg19) VCF-style: chr7-128490871-C-A.
Other names: c.5314C>A, p.Pro1772Thr (NM_001127487.2); short protein forms P1772T, P1805T.
Identifiers: ClinVar variation 1013722 (VCV001013722.9), dbSNP rs1808775264, ClinGen allele CA369206604.
Genomic context (GRCh38, chr7:128,850,817, plus strand): 5'-CAGTGGGGGAAACCAGGGTCTCCACGTAACTGTGTCTGCCCTGCAGGAGAGGTGCGGATG[C>A]CCTCGGGGAAGACGGCACGGCCCAACATCACCGACAACAAGGACGGCACCATCACGGTGA-3'
Protein context (NP_001449.3, residues 1795-1815): KGELTGEVRM[Pro1805Thr]SGKTARPNIT